The following is an entry in ClinVar:

ClinVar aggregate classification (germline): Conflicting classifications of pathogenicity. Review status: criteria provided, conflicting classifications (1 of 4 stars). 4 submissions from 3 submitters: Pathogenic (1); Likely pathogenic (1); Likely pathogenic, low penetrance (1); Uncertain significance (1). Last evaluated 2025-10-02.

Conditions:
Factor H deficiency (CFHD). Also called: COMPLEMENT FACTOR H DEFICIENCY; CFH DEFICIENCY. Identifiers: Orphanet 200421, MedGen C0398777, MONDO:0012350, OMIM 609814.
Basal laminar drusen. Also called: DRUSEN OF BRUCH MEMBRANE; DRUSEN, CUTICULAR; DRUSEN, EARLY ADULT-ONSET, GROUPED. Identifiers: Orphanet 75376, MedGen C0730295, MONDO:0007472, OMIM 126700.
Atypical hemolytic-uremic syndrome. Identifiers: Orphanet 2134, MedGen C2931788, MONDO:0016244.
Age related macular degeneration 4. Identifiers: MedGen C1853147, MONDO:0012540, OMIM 610698.
Chronic kidney disease. Identifiers: MedGen C1561643, MONDO:0005300, HP:0012622.

gnomAD v4.1: 1 of 1,611,324 alleles (0.000062%); highest among the groups gnomAD compares: Non-Finnish European, 0.000085%; no homozygotes.

Submissions (4):

Genomenon, Inc
Classification: Likely pathogenic, low penetrance for Basal laminar drusen; Age related macular degeneration 4; Atypical hemolytic-uremic syndrome; Factor H deficiency. Last evaluated: 2025-10-02. Review status: criteria provided, single submitter. Criteria: Genomenon Sequence Variant Interpretation Standards - Updated. Collection method: curation. Allele origin: germline. Affected: no.
Comment: CFH p.Cys839Ter (c.2517C>A) is a nonsense variant that introduces a premature stop codon at amino acid position 839, creating a truncated protein that is predicted to undergo nonsense-mediated mRNA decay. This variant has been reported in the published literature (PMID:32723786). It is absent or not present at a significant frequency in gnomAD. In conclusion, we classify CFH p.Cys839Ter (c.2517C>A) as a likely pathogenic, low penetrance variant.

Cavalleri Lab, Royal College of Surgeons in Ireland
Classification: Likely pathogenic for Chronic kidney disease. Last evaluated: 2020-05-28. Review status: criteria provided, single submitter. Criteria: ACMG Guidelines, 2015. Collection method: research. Allele origin: unknown. Inheritance: Autosomal dominant inheritance. Affected: yes.
Comment: PVS1, PM2

Cavalleri Lab, Royal College of Surgeons in Ireland
Classification: Pathogenic for Factor H deficiency. Last evaluated: 2020-05-27. Review status: criteria provided, single submitter. Criteria: ACMG Guidelines, 2015. Collection method: research. Allele origin: unknown. Inheritance: Autosomal dominant inheritance. Affected: yes. Observed: 1 heterozygote.

Gharavi Laboratory, Columbia University
Classification: Uncertain significance. Last evaluated: 2018-09-16. Review status: criteria provided, single submitter. Criteria: ACMG Guidelines, 2015. Collection method: research. Allele origin: germline. Affected: yes.

Literature cited by the submitters: PubMed 32723786 (cited by Genomenon, Inc).

NM_000186.4(CFH):c.2517C>A (p.Cys839Ter)

Gene: CFH (complement factor H; plus strand). Cytogenetic location: 1q31.3.
Variant type: single nucleotide variant.
Coding change: c.2517C>A on transcript NM_000186.4 (MANE Select); coding-DNA position 2517, C replaced by A.
Protein change: p.Cys839Ter; replaces cysteine 839 with a stop codon.
Molecular consequence: nonsense.
Genome position (GRCh38, 1-based): chr1:196,736,927, C>A. VCF-style: chr1-196736927-C-A. GRCh37 (hg19) VCF-style: chr1-196706057-C-A.
Other names: short protein forms C839*.
Identifiers: ClinVar variation 591005 (VCV000591005.5), dbSNP rs1362306576, ClinGen allele CA343992950.